The following is an entry in ClinVar:

NM_000545.8(HNF1A):c.430C>G (p.Leu144Val)

Gene: HNF1A (HNF1 homeobox A; plus strand). Cytogenetic location: 12q24.31.
Variant type: single nucleotide variant.
Coding change: c.430C>G on transcript NM_000545.8 (MANE Select); coding-DNA position 430, C replaced by G.
Protein change: p.Leu144Val; replaces leucine 144 with valine.
Molecular consequence: missense variant.
Genome position (GRCh38, 1-based): chr12:120,988,936, C>G. VCF-style: chr12-120988936-C-G. GRCh37 (hg19) VCF-style: chr12-121426739-C-G.
Other names: c.430C>G, p.Leu144Val (NM_001306179.2, NM_001406915.1); short protein forms L144V.
Identifiers: ClinVar variation 4822925 (VCV004822925.4).

ClinVar aggregate classification (germline): Likely pathogenic (1 of 4 stars; one submission).

Submission:

CeGaT Center for Human Genetics Tuebingen
Classification: Likely pathogenic. Last evaluated: 2026-01-01. Review status: criteria provided, single submitter. Criteria: CeGaT Center For Human Genetics Tuebingen Variant Classification Criteria Version 2. Collection method: clinical testing. Allele origin: germline. Affected: yes. Observed: 1 variant allele.
Comment: HNF1A: PM1, PM2, PM5, PP3